The following is an entry in ClinVar:

ClinVar aggregate classification (germline): Uncertain significance. Review status: criteria provided, multiple submitters, no conflicts (2 of 4 stars). 2 submissions from 2 submitters: Uncertain significance (2). Last evaluated 2021-09-16.

Conditions:
Autosomal dominant hypocalcemia 1 (HYPOC1). Also called: HYPOCALCEMIA, FAMILIAL. Identifiers: MedGen C3715128, MONDO:0011013, OMIM 601198.
Familial hypocalciuric hypercalcemia (FHH). Also called: Familial benign hypercalcemia. Identifiers: Orphanet 405, MedGen C1809471, MONDO:0018458.
Nephrolithiasis/nephrocalcinosis. Identifiers: MedGen CN580796.

Submissions (2):

Ambry Genetics
Classification: Uncertain significance for Nephrolithiasis/nephrocalcinosis. Last evaluated: 2021-09-16. Review status: criteria provided, single submitter. Criteria: Ambry Variant Classification Scheme 2023. Collection method: clinical testing. Allele origin: germline.
Comment: The p.V1071I variant (also known as c.3211G>A), located in coding exon 6 of the CASR gene, results from a G to A substitution at nucleotide position 3211. The valine at codon 1071 is replaced by isoleucine, an amino acid with highly similar properties. This amino acid position is conserved. In addition, this alteration is predicted to be tolerated by in silico analysis. Since supporting evidence is limited at this time, the clinical significance of this alteration remains unclear.

Labcorp Genetics (formerly Invitae), Labcorp
Classification: Uncertain significance for Familial hypocalciuric hypercalcemia; Autosomal dominant hypocalcemia 1. Last evaluated: 2019-10-19. Review status: criteria provided, single submitter. Criteria: Invitae Variant Classification Sherloc (09022015). Collection method: clinical testing. Allele origin: germline.
Comment: In summary, the available evidence is currently insufficient to determine the role of this variant in disease. Therefore, it has been classified as a Variant of Uncertain Significance. This sequence change replaces valine with isoleucine at codon 1071 of the CASR protein (p.Val1071Ile). The valine residue is moderately conserved and there is a small physicochemical difference between valine and isoleucine. This variant is not present in population databases (ExAC no frequency). This variant has not been reported in the literature in individuals with CASR-related disease. Algorithms developed to predict the effect of missense changes on protein structure and function output the following: SIFT: "Tolerated"; PolyPhen-2: "Benign"; Align-GVGD: "Class C0". The isoleucine amino acid residue is found in multiple mammalian species, suggesting that this missense change does not adversely affect protein function. These predictions have not been confirmed by published functional studies and their clinical significance is uncertain.

NM_000388.4(CASR):c.3211G>A (p.Val1071Ile)

Gene: CASR (calcium sensing receptor; plus strand). Cytogenetic location: 3q21.1.
Variant type: single nucleotide variant.
Coding change: c.3211G>A on transcript NM_000388.4 (MANE Select); coding-DNA position 3211, G replaced by A.
Protein change: p.Val1071Ile; replaces valine 1071 with isoleucine.
Molecular consequence: missense variant.
Genome position (GRCh38, 1-based): chr3:122,285,165, G>A. VCF-style: chr3-122285165-G-A. GRCh37 (hg19) VCF-style: chr3-122004012-G-A.
Other names: c.3241G>A, p.Val1081Ile (NM_001178065.2); short protein forms V1071I, V1081I.
Identifiers: ClinVar variation 641351 (VCV000641351.13), dbSNP rs1576879357, ClinGen allele CA354161788.